The following is an entry in ClinVar:

ClinVar aggregate classification (germline): Uncertain significance. Review status: criteria provided, multiple submitters, no conflicts (2 of 4 stars). 2 submissions from 2 submitters: Uncertain significance (2). Last evaluated 2025-10-29.

Conditions:
Inborn genetic diseases. Identifiers: MedGen C0950123, MeSH D030342.

Allele frequency attached by ClinVar (database versions not stated): TOPMed 0.00001; gnomAD exomes 0.00002; gnomAD 0.00001; ExAC 0.00002.

Submissions (2):

Ambry Genetics
Classification: Uncertain significance for Inborn genetic diseases. Last evaluated: 2025-10-29. Review status: criteria provided, single submitter. Criteria: Ambry Variant Classification Scheme 2023. Collection method: clinical testing. Allele origin: germline.

Labcorp Genetics (formerly Invitae), Labcorp
Classification: Uncertain significance. Last evaluated: 2021-08-20. Review status: criteria provided, single submitter. Criteria: Invitae Variant Classification Sherloc (09022015). Collection method: clinical testing. Allele origin: germline.
Comment: This sequence change replaces arginine with cysteine at codon 360 of the CUL7 protein (p.Arg360Cys). The arginine residue is highly conserved and there is a large physicochemical difference between arginine and cysteine. This variant is present in population databases (rs757045498, ExAC 0.02%). This variant has not been reported in the literature in individuals affected with CUL7-related conditions. Algorithms developed to predict the effect of missense changes on protein structure and function are either unavailable or do not agree on the potential impact of this missense change (SIFT: "Deleterious"; PolyPhen-2: "Probably Damaging"; Align-GVGD: "Class C0"). In summary, the available evidence is currently insufficient to determine the role of this variant in disease. Therefore, it has been classified as a Variant of Uncertain Significance.

NM_014780.5(CUL7):c.1078C>T (p.Arg360Cys)

Gene: CUL7 (cullin 7; minus strand). Cytogenetic location: 6p21.1.
Variant type: single nucleotide variant.
Coding change: c.1078C>T on transcript NM_014780.5 (MANE Select); coding-DNA position 1078, C replaced by T.
Protein change: p.Arg360Cys; replaces arginine 360 with cysteine.
Molecular consequence: missense variant.
Genome position (GRCh38, 1-based): chr6:43,051,123, G>A on the plus strand (C>T on the coding strand, the complement: CUL7 is on the minus strand). VCF-style: chr6-43051123-G-A. GRCh37 (hg19) VCF-style: chr6-43018861-G-A.
Other names: c.1174C>T, p.Arg392Cys (NM_001168370.2, NM_001374872.1); c.1078C>T, p.Arg360Cys (NM_001374873.1, NM_001374874.1); c.1078C>T (NM_014780.4); short protein forms R392C, R360C.
Identifiers: ClinVar variation 1359077 (VCV001359077.6), dbSNP rs757045498, ClinGen allele CA3814243.
Genomic context (GRCh38, chr6:43,051,123, plus strand): 5'-CCGGCTGCAGTGTGTCCCGCACATACAAAGCATAGGTATTGCCACTTGCGAACTCAGAAC[G>A]AGGGCGAAAACGTCTTGACCTCCTGAAGGAGGGCTGAGCCTGGGCAGCGGGGAGCCCTGG-3'
Protein context (NP_055595.2, residues 350-370): SFRRSRRFRP[Arg360Cys]SEFASGNTYA